The following is an entry in ClinVar:

NM_000218.3(KCNQ1):c.1514+11901G>T

Genes: KCNQ1 (potassium voltage-gated channel subfamily Q member 1; plus strand), KCNQ1OT1 (KCNQ1 opposite strand/antisense transcript 1; minus strand). Cytogenetic location: 11p15.5.
Variant type: single nucleotide variant.
Coding change: c.1514+11901G>T on transcript NM_000218.3 (MANE Select); 11901 bases into the intron after coding-DNA position 1514, G replaced by T.
Molecular consequence: intron variant.
Genome position (GRCh38, 1-based): chr11:2,673,982, G>T. VCF-style: chr11-2673982-G-T. GRCh37 (hg19) VCF-style: chr11-2695212-G-T.
Other names: c.1244+11901G>T (NM_001406837.1); c.1418+11901G>T (NM_001406836.1); c.974+11901G>T (NM_001406838.1); c.1133+11901G>T (NM_181798.2).
Identifiers: ClinVar variation 2498493 (VCV002498493.28), dbSNP rs538595238, ClinGen allele CA216179672.

ClinVar aggregate classification (germline): Benign (1 of 4 stars; one submission).

Allele frequency attached by ClinVar (database versions not stated): TOPMed 0.00003; gnomAD 0.00014; 1000 Genomes Project 0.00040; gnomAD exomes 0.00055.
gnomAD v4.1: 41 of 177,770 alleles (0.023%); highest among the groups gnomAD compares: South Asian, 0.59%; 2 homozygotes.

Submission:

CeGaT Center for Human Genetics Tuebingen
Classification: Benign. Last evaluated: 2025-02-01. Review status: criteria provided, single submitter. Criteria: CeGaT Center For Human Genetics Tuebingen Variant Classification Criteria Version 2. Collection method: clinical testing. Allele origin: germline. Affected: yes. Observed: 4 variant alleles.
Comment: KCNQ1OT1: BS1, BS2